The following is an entry in ClinVar:

ClinVar aggregate classification (germline): Uncertain significance. Review status: criteria provided, multiple submitters, no conflicts (2 of 4 stars). 2 submissions from 2 submitters: Uncertain significance (2). Last evaluated 2024-02-24.

Conditions:
Autoinflammatory syndrome. Identifiers: Orphanet 93665, MedGen C3890737, MONDO:0019751.
TNF receptor-associated periodic fever syndrome (TRAPS) (FPF). Also called: TNF RECEPTOR-ASSOCIATED PERIODIC SYNDROME; TUMOR NECROSIS FACTOR RECEPTOR-ASSOCIATED PERIODIC SYNDROME; FAMILIAL HIBERNIAN FEVER; TNF receptor 1-associated periodic fever syndrome; TNF Receptor-Associated Periodic Fever Syndrome; Autosomal Dominant Familial Periodic Fever. Identifiers: Orphanet 32960, MedGen C1275126, MONDO:0007727, OMIM 142680.

Submissions (2):

Labcorp Genetics (formerly Invitae), Labcorp
Classification: Uncertain significance for TNF receptor-associated periodic fever syndrome (TRAPS). Last evaluated: 2024-02-24. Review status: criteria provided, single submitter. Criteria: Invitae Variant Classification Sherloc (09022015). Collection method: clinical testing. Allele origin: germline.
Comment: This sequence change replaces alanine, which is neutral and non-polar, with glycine, which is neutral and non-polar, at codon 450 of the TNFRSF1A protein (p.Ala450Gly). This variant is not present in population databases (gnomAD no frequency). This variant has not been reported in the literature in individuals affected with TNFRSF1A-related conditions. ClinVar contains an entry for this variant (Variation ID: 1055756). Advanced modeling of protein sequence and biophysical properties (such as structural, functional, and spatial information, amino acid conservation, physicochemical variation, residue mobility, and thermodynamic stability) performed at Invitae indicates that this missense variant is not expected to disrupt TNFRSF1A protein function with a negative predictive value of 95%. In summary, the available evidence is currently insufficient to determine the role of this variant in disease. Therefore, it has been classified as a Variant of Uncertain Significance.

Genome Diagnostics Laboratory, The Hospital for Sick Children
Classification: Uncertain significance for Autoinflammatory syndrome. Last evaluated: 2020-05-01. Review status: criteria provided, single submitter. Criteria: ACMG Guidelines, 2015. Collection method: clinical testing. Allele origin: germline. Affected: yes.

NM_001065.4(TNFRSF1A):c.1349C>G (p.Ala450Gly)

Gene: TNFRSF1A (TNF receptor superfamily member 1A; minus strand). Cytogenetic location: 12p13.31.
Variant type: single nucleotide variant.
Coding change: c.1349C>G on transcript NM_001065.4 (MANE Select); coding-DNA position 1349, C replaced by G.
Protein change: p.Ala450Gly; replaces alanine 450 with glycine.
Molecular consequence: missense variant. On other transcripts: non-coding transcript variant (1).
Genome position (GRCh38, 1-based): chr12:6,329,331, G>C on the plus strand (C>G on the coding strand, the complement: TNFRSF1A is on the minus strand). VCF-style: chr12-6329331-G-C. GRCh37 (hg19) VCF-style: chr12-6438497-G-C.
Other names: c.1025C>G, p.Ala342Gly (NM_001346091.2); c.890C>G, p.Ala297Gly (NM_001346092.2); short protein forms A297G, A342G, A450G.
Identifiers: ClinVar variation 1055756 (VCV001055756.13), dbSNP rs1426121771, ClinGen allele CA383544244.
Genomic context (GRCh38, chr12:6,329,331, plus strand): 5'-CTCGCAGGACGGTCCTTAGAGCTGCCCGCAGGGGCGCAGCCTCATCTGAGAAGACTGGGC[G>C]CGGGCGGGAGGGCGGCGGGGCCGCAAAGCGCCTCCTCGATGTCCTCCAGGCAGCCCAGCA-3'
Protein context (NP_001056.1, residues 440-455): ALCGPAALPP[Ala450Gly]PSLLR